The following is an entry in ClinVar:

ClinVar aggregate classification (germline): Uncertain significance (1 of 4 stars; one submission).

Conditions:
Glycogen storage disease, type IV (GSD4). Also called: AMYLOPECTINOSIS; ANDERSEN DISEASE; BRANCHER DEFICIENCY; CIRRHOSIS, FAMILIAL, WITH DEPOSITION OF ABNORMAL GLYCOGEN; Glycogen storage disease due to glycogen branching enzyme deficiency; GBE1 DEFICIENCY. Identifiers: Orphanet 367, MedGen C0017923, MONDO:0009292, OMIM 232500.
Glycogen storage disease IV, classic hepatic. Also called: GSD IV, CLASSIC HEPATIC. Identifiers: MedGen C1856301.

Allele frequency attached by ClinVar (database versions not stated): gnomAD exomes 0.00001; TOPMed 0.00001; gnomAD 0.00002; ExAC 0.00004.
gnomAD v4.1: 11 of 1,602,122 alleles (0.00069%); highest among the groups gnomAD compares: Admixed American, 0.0017%; no homozygotes.

Submission:

Labcorp Genetics (formerly Invitae), Labcorp
Classification: Uncertain significance for Glycogen storage disease, type IV; Glycogen storage disease IV, classic hepatic. Last evaluated: 2022-08-04. Review status: criteria provided, single submitter. Criteria: Invitae Variant Classification Sherloc (09022015). Collection method: clinical testing. Allele origin: germline.
Comment: This sequence change replaces serine, which is neutral and polar, with leucine, which is neutral and non-polar, at codon 489 of the GBE1 protein (p.Ser489Leu). This variant is present in population databases (rs778264013, gnomAD 0.004%). This variant has not been reported in the literature in individuals affected with GBE1-related conditions. Advanced modeling of protein sequence and biophysical properties (such as structural, functional, and spatial information, amino acid conservation, physicochemical variation, residue mobility, and thermodynamic stability) performed at Invitae indicates that this missense variant is not expected to disrupt GBE1 protein function. In summary, the available evidence is currently insufficient to determine the role of this variant in disease. Therefore, it has been classified as a Variant of Uncertain Significance.

NM_000158.4(GBE1):c.1466C>T (p.Ser489Leu)

Gene: GBE1 (1,4-alpha-glucan branching enzyme 1; minus strand). Cytogenetic location: 3p12.2.
Variant type: single nucleotide variant.
Coding change: c.1466C>T on transcript NM_000158.4 (MANE Select); coding-DNA position 1466, C replaced by T.
Protein change: p.Ser489Leu; replaces serine 489 with leucine.
Molecular consequence: missense variant.
Genome position (GRCh38, 1-based): chr3:81,578,077, G>A on the plus strand (C>T on the coding strand, the complement: GBE1 is on the minus strand). VCF-style: chr3-81578077-G-A. GRCh37 (hg19) VCF-style: chr3-81627228-G-A.
Other names: short protein forms S489L.
Identifiers: ClinVar variation 2415631 (VCV002415631.3), dbSNP rs778264013, ClinGen allele CA2499642.